The following is an entry in ClinVar:

NM_001099409.3(EHBP1L1):c.3562G>A (p.Glu1188Lys)

Gene: EHBP1L1 (EH domain binding protein 1 like 1; plus strand). Cytogenetic location: 11q13.1.
Variant type: single nucleotide variant.
Coding change: c.3562G>A on transcript NM_001099409.3 (MANE Select); coding-DNA position 3562, G replaced by A.
Protein change: p.Glu1188Lys; replaces glutamic acid 1188 with lysine.
Molecular consequence: missense variant.
Genome position (GRCh38, 1-based): chr11:65,585,220, G>A. VCF-style: chr11-65585220-G-A. GRCh37 (hg19) VCF-style: chr11-65352691-G-A.
Other names: c.1288G>A, p.Glu430Lys (NM_001351087.2); short protein forms E1188K, E430K.
Identifiers: ClinVar variation 2561186 (VCV002561186.4), dbSNP rs1435178592, ClinGen allele CA381315074.

ClinVar aggregate classification (germline): Uncertain significance. Review status: criteria provided, multiple submitters, no conflicts (2 of 4 stars). 2 submissions from 2 submitters: Uncertain significance (2). Last evaluated 2025-08-08.

Conditions:
EHBP1L1-related disorder. Also called: EHBP1L1-related condition.

Allele frequency attached by ClinVar (database versions not stated): gnomAD 0.00004; TOPMed 0.00006; gnomAD exomes 0.00013; 1000 Genomes Project 30x 0.00016.
gnomAD v4.1: 127 of 1,143,052 alleles (0.011%); highest among the groups gnomAD compares: Middle Eastern, 0.037%; no homozygotes.

Submissions (2):

Ambry Genetics
Classification: Uncertain significance. Last evaluated: 2025-08-08. Review status: criteria provided, single submitter. Criteria: Ambry Variant Classification Scheme 2023. Collection method: clinical testing. Allele origin: germline.

PreventionGenetics, part of Exact Sciences
Classification: Uncertain significance for EHBP1L1-related condition. Last evaluated: 2023-05-26. Review status: criteria provided, single submitter. Criteria: ACMG Guidelines, 2015. Collection method: clinical testing. Allele origin: germline.
Comment: The EHBP1L1 c.3562G>A variant is predicted to result in the amino acid substitution p.Glu1188Lys. To our knowledge, this variant has not been reported in the literature or in a large population database, indicating this variant is rare. At this time, the clinical significance of this variant is uncertain due to the absence of conclusive functional and genetic evidence.